The following is an entry in ClinVar:

NM_031407.7(HUWE1):c.3704A>C (p.Gln1235Pro)

Genes: HUWE1 (HECT, UBA and WWE domain containing E3 ubiquitin protein ligase 1; minus strand), LOC126863263 (BRD4-independent group 4 enhancer GRCh37_chrX:53619238-53620437; plus strand). Cytogenetic location: Xp11.22.
Variant type: single nucleotide variant.
Coding change: c.3704A>C on transcript NM_031407.7 (MANE Select); coding-DNA position 3704, A replaced by C.
Protein change: p.Gln1235Pro; replaces glutamine 1235 with proline.
Molecular consequence: missense variant.
Genome position (GRCh38, 1-based): chrX:53,593,401, T>G on the plus strand (A>C on the coding strand, the complement: HUWE1 is on the minus strand). VCF-style: chrX-53593401-T-G. GRCh37 (hg19) VCF-style: chrX-53620361-T-G.
Other names: short protein forms Q1235P.
Identifiers: ClinVar variation 3898872 (VCV003898872.1).

ClinVar aggregate classification (germline): Uncertain significance (1 of 4 stars; one submission).

Submission:

GeneDx
Classification: Uncertain significance. Last evaluated: 2024-11-06. Review status: criteria provided, single submitter. Criteria: GeneDx Variant Classification Process June 2021. Collection method: clinical testing. Allele origin: germline. Affected: yes.
Comment: Not observed at significant frequency in large population cohorts (gnomAD); In silico analysis indicates that this missense variant does not alter protein structure/function; Has not been previously published as pathogenic or benign to our knowledge